The following is an entry in ClinVar:

ClinVar aggregate classification (germline): Uncertain significance (1 of 4 stars; one submission).

Submission:

Ambry Genetics
Classification: Uncertain significance. Last evaluated: 2025-08-30. Review status: criteria provided, single submitter. Criteria: Ambry Variant Classification Scheme 2023. Collection method: clinical testing. Allele origin: germline.
Comment: The p.V9G variant (also known as c.26T>G), located in coding exon 1 of the RAD51B gene, results from a T to G substitution at nucleotide position 26. The valine at codon 9 is replaced by glycine, an amino acid with dissimilar properties. This amino acid position is conserved. In addition, this alteration is predicted to be tolerated by in silico analysis. Based on the available evidence, the clinical significance of this variant remains unclear.

NM_133510.4(RAD51B):c.26T>G (p.Val9Gly)

Gene: RAD51B (RAD51 paralog B; plus strand). Cytogenetic location: 14q24.1.
Variant type: single nucleotide variant.
Coding change: c.26T>G on transcript NM_133510.4 (MANE Select); coding-DNA position 26, T replaced by G.
Protein change: p.Val9Gly; replaces valine 9 with glycine.
Molecular consequence: missense variant. On other transcripts: 5 prime UTR variant (1).
Genome position (GRCh38, 1-based): chr14:67,823,569, T>G. VCF-style: chr14-67823569-T-G. GRCh37 (hg19) VCF-style: chr14-68290286-T-G.
Other names: c.26T>G, p.Val9Gly (NM_001321809.2, NM_001321810.2, NM_001321812.1 and 6 more transcripts); c.-430T>G (NM_001321817.2); short protein forms V9G.
Identifiers: ClinVar variation 4149862 (VCV004149862.1).